The following is an entry in ClinVar:

NM_017827.4(SARS2):c.589+7C>G

Gene: SARS2 (seryl-tRNA synthetase 2, mitochondrial; minus strand). Cytogenetic location: 19q13.2.
Variant type: single nucleotide variant.
Coding change: c.589+7C>G on transcript NM_017827.4 (MANE Select); 7 bases into the intron after coding-DNA position 589, C replaced by G.
Molecular consequence: intron variant.
Genome position (GRCh38, 1-based): chr19:38,921,385, G>C on the plus strand (C>G on the coding strand, the complement: SARS2 is on the minus strand). VCF-style: chr19-38921385-G-C. GRCh37 (hg19) VCF-style: chr19-39412025-G-C.
Other names: c.595+7C>G (NM_001145901.2).
Identifiers: ClinVar variation 386293 (VCV000386293.1), dbSNP rs372323445, ClinGen allele CA9423124.

ClinVar aggregate classification (germline): Likely benign (1 of 4 stars; one submission).

Allele frequency attached by ClinVar (database versions not stated): gnomAD exomes below 0.00001; TOPMed 0.00002; ExAC 0.00001; ESP Exome Variant Server 0.00008.

Submission:

GeneDx
Classification: Likely benign. Last evaluated: 2016-06-01. Review status: criteria provided, single submitter. Criteria: GeneDx Variant Classification (06012015). Collection method: clinical testing. Allele origin: germline. Affected: yes.
Comment: This variant is considered likely benign or benign based on one or more of the following criteria: it is a conservative change, it occurs at a poorly conserved position in the protein, it is predicted to be benign by multiple in silico algorithms, and/or has population frequency not consistent with disease.